The following is an entry in ClinVar:

NM_001018115.3(FANCD2):c.378-5del

Genes: FANCD2 (FA complementation group D2; plus strand), LOC107303338 (3p25 FANCD2 Alu-mediated recombination region; plus strand). Cytogenetic location: 3p25.3.
Variant type: Deletion.
Coding change: c.378-5del on transcript NM_001018115.3 (MANE Select); 5 bases into the intron before coding-DNA position 378, one base deleted (T; older notation c.378-5delT).
Molecular consequence: intron variant.
Genome position (GRCh38, 1-based): chr3:10,035,168, T deleted; the last of 10 consecutive T bases (chr3:10,035,159-10,035,168); deleting any one gives the same sequence. VCF-style (leftmost placement, unchanged base first): chr3-10035158-CT-C. GRCh37 (hg19) VCF-style: chr3-10076842-CT-C.
Other names: NC_000003.11:g.10076852del; c.378-5del (NM_001319984.2, NM_001374253.1, NM_033084.6 and 2 more transcripts).
Identifiers: ClinVar variation 4287802 (VCV004287802.4).

ClinVar aggregate classification (germline): Likely benign. Review status: criteria provided, multiple submitters, no conflicts (2 of 4 stars). 2 submissions from 2 submitters: Likely benign (2). Last evaluated 2025-12-23.

Conditions:
Fanconi anemia complementation group D2. Also called: FANCD2-Related Fanconi Anemia; FANCONI PANCYTOPENIA, TYPE 4; FANCONI ANEMIA, COMPLEMENTATION GROUP D. Identifiers: Orphanet 84, MedGen C3160738, MONDO:0009214, OMIM 227646.

Submissions (3):

Dasa
Classification: Likely benign for Fanconi anemia complementation group D2. Last evaluated: 2025-12-23. Review status: criteria provided, single submitter. Criteria: DASA Assertion Criteria. Collection method: clinical testing. Allele origin: germline.
Comment: NM_001018115.3(FANCD2):c.378-5del is a splice-region variant. The variant context is inconsistent with a known disease-causing mechanism. Computational prediction algorithms are consistent with a benign effect. Therefore, based on the currently available evidence, this variant is classified as likely benign.

Blueprint Genetics
Classification: Likely benign. Last evaluated: 2024-11-14. Review status: criteria provided, single submitter. Criteria: ACMG Guidelines, 2015. Collection method: clinical testing. Allele origin: germline.

Dr. Peter K. Rogan Lab, Western University
No classification provided (evidence only). Condition: Malignant lymphoma, large B-cell, diffuse. Review status: no classification provided. Collection method: in vitro. Allele origin: not applicable. Functional consequence: retained intron. Not counted in ClinVar's aggregate classification.